The following is an entry in ClinVar:

ClinVar aggregate classification (germline): Uncertain significance (1 of 4 stars; one submission).

Conditions:
Hereditary cancer-predisposing syndrome. Also called: Neoplastic Syndromes, Hereditary; Hereditary Cancer Syndrome; Tumor predisposition; Hereditary neoplastic syndrome. Identifiers: Orphanet 140162, MedGen C0027672, MeSH D009386, MONDO:0015356.

Submission:

Ambry Genetics
Classification: Uncertain significance for Hereditary cancer-predisposing syndrome. Last evaluated: 2024-12-16. Review status: criteria provided, single submitter. Criteria: Ambry Variant Classification Scheme 2023. Collection method: clinical testing. Allele origin: germline.
Comment: The p.E1302D variant (also known as c.3906G>C), located in coding exon 32 of the TSC2 gene, results from a G to C substitution at nucleotide position 3906. The glutamic acid at codon 1302 is replaced by aspartic acid, an amino acid with highly similar properties. This amino acid position is conserved. In addition, the in silico prediction for this alteration is inconclusive. Based on the available evidence, the clinical significance of this variant remains unclear.

NM_000548.5(TSC2):c.3906G>C (p.Glu1302Asp)

Gene: TSC2 (TSC complex subunit 2; plus strand). Cytogenetic location: 16p13.3.
Variant type: single nucleotide variant.
Coding change: c.3906G>C on transcript NM_000548.5 (MANE Select); coding-DNA position 3906, G replaced by C.
Protein change: p.Glu1302Asp; replaces glutamic acid 1302 with aspartic acid.
Molecular consequence: missense variant. On other transcripts: non-coding transcript variant (5).
Genome position (GRCh38, 1-based): chr16:2,083,717, G>C. VCF-style: chr16-2083717-G-C. GRCh37 (hg19) VCF-style: chr16-2133718-G-C.
Other names: c.3705G>C, p.Glu1235Asp (NM_001077183.3); c.3837G>C, p.Glu1279Asp (NM_001114382.3); c.3597G>C, p.Glu1199Asp (NM_001318827.2); c.3561G>C, p.Glu1187Asp (NM_001318829.2); c.3174G>C, p.Glu1058Asp (NM_001318831.2); c.3738G>C, p.Glu1246Asp (NM_001318832.2); c.3708G>C, p.Glu1236Asp (NM_001363528.2); c.3774G>C, p.Glu1258Asp (NM_001370404.1); and 26 more; short protein forms E1198D, E1036D, E1079D, E1082D, E1199D, E1232D, E1242D, E1266D.
Identifiers: ClinVar variation 3811314 (VCV003811314.1).